The following is an entry in ClinVar:

ClinVar aggregate classification (germline): Uncertain significance (1 of 4 stars; one submission).

Submission:

GeneDx
Classification: Uncertain significance. Last evaluated: 2023-02-20. Review status: criteria provided, single submitter. Criteria: GeneDx Variant Classification Process June 2021. Collection method: clinical testing. Allele origin: germline. Affected: yes.
Comment: Not observed at significant frequency in large population cohorts (gnomAD); In silico analysis supports that this missense variant does not alter protein structure/function; Has not been previously published as pathogenic or benign to our knowledge

NM_001042681.2(RERE):c.4264G>C (p.Val1422Leu)

Gene: RERE (arginine-glutamic acid dipeptide repeats; minus strand). Cytogenetic location: 1p36.23.
Variant type: single nucleotide variant.
Coding change: c.4264G>C on transcript NM_001042681.2 (MANE Select); coding-DNA position 4264, G replaced by C.
Protein change: p.Val1422Leu; replaces valine 1422 with leucine.
Molecular consequence: missense variant.
Genome position (GRCh38, 1-based): chr1:8,358,271, C>G on the plus strand (G>C on the coding strand, the complement: RERE is on the minus strand). VCF-style: chr1-8358271-C-G. GRCh37 (hg19) VCF-style: chr1-8418331-C-G.
Other names: c.2602G>C, p.Val868Leu (NM_001042682.2); c.4264G>C, p.Val1422Leu (NM_012102.4); short protein forms V1422L, V868L.
Identifiers: ClinVar variation 2576650 (VCV002576650.1), dbSNP rs529548316, ClinGen allele CA338168875.